The following is an entry in ClinVar:

ClinVar aggregate classification (germline): Uncertain significance (1 of 4 stars; one submission).

Conditions:
Hereditary sensory and autonomic neuropathy type 7. Also called: HSAN VII; Neuropathy, hereditary sensory and autonomic, type VII. Identifiers: Orphanet 391397, MedGen C3809882, MONDO:0014244, OMIM 615548.
Familial episodic pain syndrome with predominantly lower limb involvement. Also called: Episodic pain syndrome, familial, 3. Identifiers: Orphanet 391384, Orphanet 391392, MedGen C3809899, MONDO:0014247, OMIM 615552.

Submission:

Labcorp Genetics (formerly Invitae), Labcorp
Classification: Uncertain significance for Familial episodic pain syndrome with predominantly lower limb involvement; Hereditary sensory and autonomic neuropathy type 7. Last evaluated: 2022-10-25. Review status: criteria provided, single submitter. Criteria: Invitae Variant Classification Sherloc (09022015). Collection method: clinical testing. Allele origin: germline.
Comment: In summary, the available evidence is currently insufficient to determine the role of this variant in disease. Therefore, it has been classified as a Variant of Uncertain Significance. Advanced modeling of protein sequence and biophysical properties (such as structural, functional, and spatial information, amino acid conservation, physicochemical variation, residue mobility, and thermodynamic stability) performed at Invitae indicates that this missense variant is expected to disrupt SCN11A protein function. This variant has not been reported in the literature in individuals affected with SCN11A-related conditions. This variant is not present in population databases (gnomAD no frequency). This sequence change replaces isoleucine, which is neutral and non-polar, with methionine, which is neutral and non-polar, at codon 1483 of the SCN11A protein (p.Ile1483Met).

NM_001349253.2(SCN11A):c.4449C>G (p.Ile1483Met)

Gene: SCN11A (sodium voltage-gated channel alpha subunit 11; minus strand). Cytogenetic location: 3p22.2.
Variant type: single nucleotide variant.
Coding change: c.4449C>G on transcript NM_001349253.2 (MANE Select); coding-DNA position 4449, C replaced by G.
Protein change: p.Ile1483Met; replaces isoleucine 1483 with methionine.
Molecular consequence: missense variant.
Genome position (GRCh38, 1-based): chr3:38,847,621, G>C on the plus strand (C>G on the coding strand, the complement: SCN11A is on the minus strand). VCF-style: chr3-38847621-G-C. GRCh37 (hg19) VCF-style: chr3-38889112-G-C.
Other names: c.4449C>G, p.Ile1483Met (NM_014139.3); short protein forms I1483M.
Identifiers: ClinVar variation 1722123 (VCV001722123.5), dbSNP rs937785222, ClinGen allele CA352163772.